The following is an entry in ClinVar:

NM_012213.3(MLYCD):c.758del (p.Leu253fs)

Gene: MLYCD (malonyl-CoA decarboxylase; plus strand). Cytogenetic location: 16q23.3.
Variant type: Deletion.
Coding change: c.758del on transcript NM_012213.3 (MANE Select); coding-DNA position 758, one base deleted (T; older notation c.758delT).
Protein change: p.Leu253fs; shifts the reading frame from leucine 253.
Molecular consequence: frameshift variant.
Genome position (GRCh38, 1-based): chr16:83,908,242, T deleted; the last of 4 consecutive T bases (chr16:83,908,239-83,908,242); deleting any one gives the same sequence. VCF-style (leftmost placement, unchanged base first): chr16-83908238-GT-G. GRCh37 (hg19) VCF-style: chr16-83941843-GT-G.
Other names: short protein forms L253fs.
Identifiers: ClinVar variation 1323279 (VCV001323279.7), dbSNP rs757983774, ClinGen allele CA8197358.
Genomic context (GRCh38, chr16:83,908,238, plus strand): 5'-GGGCCCTACAGAAGGTGTTACTTCTTTTCTCACTGTTCGACCCCTGGGGAGCCCCTGGTC[GT>G]TTTGCACGTGGCACTGACTGGTGACATCTCCAGCAACATCCAGGTACCTGCGATGGTCAA-3'

ClinVar aggregate classification (germline): Pathogenic (1 of 4 stars; one submission).

Conditions:
Deficiency of malonyl-CoA decarboxylase. Also called: Malonic aciduria; MCD deficiency. Identifiers: Orphanet 943, MedGen C0342793, MONDO:0009556, OMIM 248360.

Submission:

Labcorp Genetics (formerly Invitae), Labcorp
Classification: Pathogenic for Deficiency of malonyl-CoA decarboxylase. Last evaluated: 2021-05-26. Review status: criteria provided, single submitter. Criteria: Invitae Variant Classification Sherloc (09022015). Collection method: clinical testing. Allele origin: germline.
Comment: For these reasons, this variant has been classified as Pathogenic. This variant has not been reported in the literature in individuals with MLYCD-related conditions. This variant is present in population databases (rs757983774, ExAC 0.02%). This sequence change creates a premature translational stop signal (p.Leu253Cysfs*5) in the MLYCD gene. It is expected to result in an absent or disrupted protein product. Loss-of-function variants in MLYCD are known to be pathogenic (PMID: 12955715, 17186413).

Literature cited by the submitters: PubMed 12955715; PubMed 17186413.